The following is an entry in ClinVar:

NM_001291415.2(KDM6A):c.1194+4A>C

Gene: KDM6A (lysine demethylase 6A; plus strand). Cytogenetic location: Xp11.3.
Variant type: single nucleotide variant.
Coding change: c.1194+4A>C on transcript NM_001291415.2 (MANE Select); 4 bases into the intron after coding-DNA position 1194, A replaced by C.
Molecular consequence: intron variant.
Genome position (GRCh38, 1-based): chrX:45,059,470, A>C. VCF-style: chrX-45059470-A-C. GRCh37 (hg19) VCF-style: chrX-44918715-A-C.
Other names: c.1194+4A>C (NM_001419809.1, NM_001419810.1, NM_001419813.1 and 9 more transcripts); c.441+4A>C (NM_001291421.2).
Identifiers: ClinVar variation 2859633 (VCV002859633.3), dbSNP rs2522772160, ClinGen allele CA2693524477.

ClinVar aggregate classification (germline): Uncertain significance (1 of 4 stars; one submission).

Conditions:
Kabuki syndrome 2 (KABUK2). Also called: KDM6A-Related Kabuki Syndrome. Identifiers: Orphanet 2322, MedGen C3275495, MONDO:0010465, OMIM 300867.

Submission:

Labcorp Genetics (formerly Invitae), Labcorp
Classification: Uncertain significance for Kabuki syndrome 2. Last evaluated: 2023-04-26. Review status: criteria provided, single submitter. Criteria: Invitae Variant Classification Sherloc (09022015). Collection method: clinical testing. Allele origin: germline.
Comment: This sequence change falls in intron 12 of the KDM6A gene. It does not directly change the encoded amino acid sequence of the KDM6A protein. It affects a nucleotide within the consensus splice site. In summary, the available evidence is currently insufficient to determine the role of this variant in disease. Therefore, it has been classified as a Variant of Uncertain Significance. Variants that disrupt the consensus splice site are a relatively common cause of aberrant splicing (PMID: 17576681, 9536098). Algorithms developed to predict the effect of sequence changes on RNA splicing suggest that this variant is not likely to affect RNA splicing. This variant has not been reported in the literature in individuals affected with KDM6A-related conditions. This variant is not present in population databases (gnomAD no frequency).

Literature cited by the submitters: PubMed 17576681; PubMed 9536098.